The following is an entry in ClinVar:

ClinVar aggregate classification (germline): Uncertain significance (1 of 4 stars; one submission).

Allele frequency attached by ClinVar (database versions not stated): gnomAD exomes below 0.00001; TOPMed below 0.00001.
gnomAD v4.1: 1 of 1,613,796 alleles (0.000062%); highest among the groups gnomAD compares: African/African-American, 0.0013%; no homozygotes.

Submission:

Labcorp Genetics (formerly Invitae), Labcorp
Classification: Uncertain significance. Last evaluated: 2022-09-14. Review status: criteria provided, single submitter. Criteria: Invitae Variant Classification Sherloc (09022015). Collection method: clinical testing. Allele origin: germline.
Comment: This sequence change replaces isoleucine, which is neutral and non-polar, with valine, which is neutral and non-polar, at codon 911 of the SLC12A6 protein (p.Ile911Val). This variant is present in population databases (no rsID available, gnomAD 0.007%). This variant has not been reported in the literature in individuals affected with SLC12A6-related conditions. Advanced modeling of protein sequence and biophysical properties (such as structural, functional, and spatial information, amino acid conservation, physicochemical variation, residue mobility, and thermodynamic stability) performed at Invitae indicates that this missense variant is not expected to disrupt SLC12A6 protein function. In summary, the available evidence is currently insufficient to determine the role of this variant in disease. Therefore, it has been classified as a Variant of Uncertain Significance.

NM_001365088.1(SLC12A6):c.2731A>G (p.Ile911Val)

Gene: SLC12A6 (solute carrier family 12 member 6; minus strand). Cytogenetic location: 15q14.
Variant type: single nucleotide variant.
Coding change: c.2731A>G on transcript NM_001365088.1 (MANE Select); coding-DNA position 2731, A replaced by G.
Protein change: p.Ile911Val; replaces isoleucine 911 with valine.
Molecular consequence: missense variant.
Genome position (GRCh38, 1-based): chr15:34,238,303, T>C on the plus strand (A>G on the coding strand, the complement: SLC12A6 is on the minus strand). VCF-style: chr15-34238303-T-C. GRCh37 (hg19) VCF-style: chr15-34530504-T-C.
Other names: c.2554A>G, p.Ile852Val (NM_001042494.2, NM_001042495.2); c.2704A>G, p.Ile902Val (NM_001042496.2); c.2686A>G, p.Ile896Val (NM_001042497.2); c.2578A>G, p.Ile860Val (NM_005135.2); c.2731A>G, p.Ile911Val (NM_133647.2); short protein forms I852V, I902V, I911V, I860V, I896V.
Identifiers: ClinVar variation 2198044 (VCV002198044.1), dbSNP rs1471218842, ClinGen allele CA391618863.